The following is an entry in ClinVar:

ClinVar aggregate classification (germline): Uncertain significance. Review status: criteria provided, multiple submitters, no conflicts (2 of 4 stars). 2 submissions from 2 submitters: Uncertain significance (2). Last evaluated 2021-09-24.

Conditions:
Inborn genetic diseases. Identifiers: MedGen C0950123, MeSH D030342.
Progressive myoclonic epilepsy type 3. Also called: EPILEPSY, PROGRESSIVE MYOCLONIC, 3, WITHOUT INTRACELLULAR INCLUSIONS; KCTD7-Related Progressive Myoclonic Epilepsy; EPILEPSY, PROGRESSIVE MYOCLONIC, 3, WITH OR WITHOUT INTRACELLULAR INCLUSIONS; CEROID LIPOFUSCINOSIS, NEURONAL, 14. Identifiers: Orphanet 263516, MedGen C2673257, MONDO:0012721, OMIM 611726.

Submissions (2):

Labcorp Genetics (formerly Invitae), Labcorp
Classification: Uncertain significance for Progressive myoclonic epilepsy type 3. Last evaluated: 2021-09-24. Review status: criteria provided, single submitter. Criteria: Invitae Variant Classification Sherloc (09022015). Collection method: clinical testing. Allele origin: germline.
Comment: This sequence change replaces glycine with serine at codon 16 of the KCTD7 protein (p.Gly16Ser). The glycine residue is moderately conserved and there is a small physicochemical difference between glycine and serine. This variant is not present in population databases (ExAC no frequency). This variant has not been reported in the literature in individuals with KCTD7-related conditions. Algorithms developed to predict the effect of missense changes on protein structure and function (SIFT, PolyPhen-2, Align-GVGD) all suggest that this variant is likely to be tolerated, but these predictions have not been confirmed by published functional studies and their clinical significance is uncertain. In summary, the available evidence is currently insufficient to determine the role of this variant in disease. Therefore, it has been classified as a Variant of Uncertain Significance.

Ambry Genetics
Classification: Uncertain significance for Inborn genetic diseases. Last evaluated: 2020-03-26. Review status: criteria provided, single submitter. Criteria: Ambry Variant Classification Scheme 2023. Collection method: clinical testing. Allele origin: germline.
Comment: The p.G16S variant (also known as c.46G>A), located in coding exon 1 of the KCTD7 gene, results from a G to A substitution at nucleotide position 46. The glycine at codon 16 is replaced by serine, an amino acid with similar properties. This amino acid position is not well conserved in available vertebrate species. In addition, this alteration is predicted to be tolerated by in silico analysis. Since supporting evidence is limited at this time, the clinical significance of this alteration remains unclear.

NM_153033.5(KCTD7):c.46G>A (p.Gly16Ser)

Genes: KCTD7 (potassium channel tetramerization domain containing 7; plus strand), LOC129998533 (ATAC-STARR-seq lymphoblastoid silent region 18210; plus strand). Cytogenetic location: 7q11.21.
Variant type: single nucleotide variant.
Coding change: c.46G>A on transcript NM_153033.5 (MANE Select); coding-DNA position 46, G replaced by A.
Protein change: p.Gly16Ser; replaces glycine 16 with serine.
Molecular consequence: missense variant.
Genome position (GRCh38, 1-based): chr7:66,629,110, G>A. VCF-style: chr7-66629110-G-A. GRCh37 (hg19) VCF-style: chr7-66094097-G-A.
Other names: c.46G>A, p.Gly16Ser (NM_001167961.2); short protein forms G16S.
Identifiers: ClinVar variation 1433781 (VCV001433781.7), dbSNP rs1450028260, ClinGen allele CA367695222.